The following is an entry in ClinVar:

ClinVar aggregate classification (germline): Benign (1 of 4 stars; one submission).

Allele frequency attached by ClinVar (database versions not stated): 1000 Genomes Project 0.02057; 1000 Genomes Project 30x 0.02155; TOPMed 0.03829; gnomAD 0.03947 and 0.04031.

Submission:

GeneDx
Classification: Benign. Last evaluated: 2018-06-19. Review status: criteria provided, single submitter. Criteria: GeneDx Variant Classification (06012015). Collection method: clinical testing. Allele origin: germline. Affected: yes.
Comment: This variant is considered likely benign or benign based on one or more of the following criteria: it is a conservative change, it occurs at a poorly conserved position in the protein, it is predicted to be benign by multiple in silico algorithms, and/or has population frequency not consistent with disease.

NM_001458.5(FLNC):c.2121+294G>A

Gene: FLNC (filamin C; plus strand). Cytogenetic location: 7q32.1.
Variant type: single nucleotide variant.
Coding change: c.2121+294G>A on transcript NM_001458.5 (MANE Select); 294 bases into the intron after coding-DNA position 2121, G replaced by A.
Molecular consequence: intron variant.
Genome position (GRCh38, 1-based): chr7:128,841,861, G>A. VCF-style: chr7-128841861-G-A. GRCh37 (hg19) VCF-style: chr7-128481915-G-A.
Other names: c.2121+294G>A (NM_001127487.2).
Identifiers: ClinVar variation 669007 (VCV000669007.1), dbSNP rs73238153, ClinGen allele CA166217621.